The following is an entry in ClinVar:

NM_022168.4(IFIH1):c.633T>A (p.Asn211Lys)

Gene: IFIH1 (interferon induced with helicase C domain 1; minus strand). Cytogenetic location: 2q24.2.
Variant type: single nucleotide variant.
Coding change: c.633T>A on transcript NM_022168.4 (MANE Select); coding-DNA position 633, T replaced by A.
Protein change: p.Asn211Lys; replaces asparagine 211 with lysine.
Molecular consequence: missense variant.
Genome position (GRCh38, 1-based): chr2:162,306,845, A>T on the plus strand (T>A on the coding strand, the complement: IFIH1 is on the minus strand). VCF-style: chr2-162306845-A-T. GRCh37 (hg19) VCF-style: chr2-163163355-A-T.
Other names: short protein forms N211K.
Identifiers: ClinVar variation 1721812 (VCV001721812.5), dbSNP rs2468992289, ClinGen allele CA349008808.

ClinVar aggregate classification (germline): Uncertain significance (1 of 4 stars; one submission).

Conditions:
Aicardi-Goutieres syndrome 7 (AGS7). Identifiers: Orphanet 51, MedGen C3888244, MONDO:0014367, OMIM 615846.
Singleton-Merten syndrome 1 (SGMRT1). Also called: Widened medullary cavities of bone, aortic calcification, abnormal dentition, and muscular weakness; Syndrome of widened medullary cavities of the metacarpals and phalanges, aortic calcification and abnormal dentition. Identifiers: Orphanet 85191, MedGen C4225427, MONDO:0024535, OMIM 182250.

Submission:

Labcorp Genetics (formerly Invitae), Labcorp
Classification: Uncertain significance for Aicardi-Goutieres syndrome 7; Singleton-Merten syndrome 1. Last evaluated: 2022-10-18. Review status: criteria provided, single submitter. Criteria: Invitae Variant Classification Sherloc (09022015). Collection method: clinical testing. Allele origin: germline.
Comment: This sequence change replaces asparagine, which is neutral and polar, with lysine, which is basic and polar, at codon 211 of the IFIH1 protein (p.Asn211Lys). This variant is not present in population databases (gnomAD no frequency). This variant has not been reported in the literature in individuals affected with IFIH1-related conditions. Algorithms developed to predict the effect of missense changes on protein structure and function (SIFT, PolyPhen-2, Align-GVGD) all suggest that this variant is likely to be tolerated. In summary, the available evidence is currently insufficient to determine the role of this variant in disease. Therefore, it has been classified as a Variant of Uncertain Significance.